The following is an entry in ClinVar:

NM_000222.3(KIT):c.591G>T (p.Ser197=)

Gene: KIT (KIT proto-oncogene, receptor tyrosine kinase; plus strand). Cytogenetic location: 4q12.
Variant type: single nucleotide variant.
Coding change: c.591G>T on transcript NM_000222.3 (MANE Select); coding-DNA position 591, G replaced by T.
Protein change: p.Ser197=; no amino-acid change (serine 197 retained).
Molecular consequence: synonymous variant.
Genome position (GRCh38, 1-based): chr4:54,698,537, G>T. VCF-style: chr4-54698537-G-T. GRCh37 (hg19) VCF-style: chr4-55564703-G-T.
Other names: c.591G>T, p.Ser197= (NM_001093772.2, NM_001385284.1, NM_001385285.1 and 4 more transcripts).
Identifiers: ClinVar variation 458959 (VCV000458959.15), dbSNP rs140839561, ClinGen allele CA2923267.
Genomic context (GRCh38, chr4:54,698,537, plus strand): 5'-CGCCTACCATCGGCTCTGTCTGCATTGTTCTGTGGACCAGGAGGGCAAGTCAGTGCTGTC[G>T]GAAAAATTCATCCTGAAAGTGAGGCCAGGTACTGGCTCTTTCTTATCTGCCTCTGGGAGT-3'
Protein context (NP_000213.1, residues 187-207): SVDQEGKSVL[Ser197=]EKFILKVRPA

ClinVar aggregate classification (germline): Benign/Likely benign. Review status: criteria provided, multiple submitters, no conflicts (2 of 4 stars). 3 submissions from 3 submitters: Benign (1); Likely benign (2). Last evaluated 2026-06-02.

Conditions:
Hereditary cancer-predisposing syndrome. Also called: Tumor predisposition; Hereditary neoplastic syndrome; Neoplastic Syndromes, Hereditary; Hereditary Cancer Syndrome. Identifiers: Orphanet 140162, MedGen C0027672, MeSH D009386, MONDO:0015356.
Gastrointestinal stromal tumor. Also called: Gastrointestinal stroma tumor; Gastrointestinal stromal tumor, somatic. Identifiers: Orphanet 44890, MedGen C0238198, MeSH D046152, MONDO:0011719, OMIM 606764, HP:0100723.

Allele frequency attached by ClinVar (database versions not stated): TOPMed 0.00003.
gnomAD v4.1: 7 of 1,614,008 alleles (0.00043%); highest among the groups gnomAD compares: African/African-American, 0.0053%; no homozygotes.

Submissions (3):

Myriad Genetics, Inc.
Classification: Benign for Gastrointestinal stromal tumor. Last evaluated: 2026-06-02. Review status: criteria provided, single submitter. Criteria: Myriad Autosomal Dominant, Autosomal Recessive and X-Linked Classification Criteria (2023). Collection method: clinical testing. Allele origin: unknown.
Comment: This variant is considered benign. This variant is a silent/synonymous amino acid change and it is not expected to impact splicing.

Labcorp Genetics (formerly Invitae), Labcorp
Classification: Likely benign for Gastrointestinal stromal tumor. Last evaluated: 2025-12-28. Review status: criteria provided, single submitter. Criteria: Invitae Variant Classification Sherloc (09022015). Collection method: clinical testing. Allele origin: germline.

Ambry Genetics
Classification: Likely benign for Hereditary cancer-predisposing syndrome. Last evaluated: 2022-02-13. Review status: criteria provided, single submitter. Criteria: Ambry Variant Classification Scheme 2023. Collection method: clinical testing. Allele origin: germline.